The following is an entry in ClinVar:

ClinVar aggregate classification (germline): Uncertain significance (1 of 4 stars; one submission).

Conditions:
Developmental and epileptic encephalopathy, 8 (DEE8). Also called: HYPEREKPLEXIA AND EPILEPSY. Identifiers: Orphanet 163985, Orphanet 2076, MedGen C1845102, MONDO:0010375, OMIM 300607.

Allele frequency attached by ClinVar (database versions not stated): gnomAD 0.00001; gnomAD exomes below 0.00001 and 0.00001.
gnomAD v4.1: 5 of 1,208,569 alleles (0.00041%); highest among the groups gnomAD compares: African/African-American, 0.0018%; no homozygotes.

Submission:

Labcorp Genetics (formerly Invitae), Labcorp
Classification: Uncertain significance for Developmental and epileptic encephalopathy, 8. Last evaluated: 2018-12-24. Review status: criteria provided, single submitter. Criteria: Invitae Variant Classification Sherloc (09022015). Collection method: clinical testing. Allele origin: germline.
Comment: This variant has not been reported in the literature in individuals with ARHGEF9-related conditions. This sequence change replaces arginine with histidine at codon 334 of the ARHGEF9 protein (p.Arg334His). The arginine residue is highly conserved and there is a small physicochemical difference between arginine and histidine. This variant is not present in population databases (ExAC no frequency). Algorithms developed to predict the effect of missense changes on protein structure and function (SIFT, PolyPhen-2, Align-GVGD) all suggest that this variant is likely to be disruptive, but these predictions have not been confirmed by published functional studies and their clinical significance is uncertain. In summary, the available evidence is currently insufficient to determine the role of this variant in disease. Therefore, it has been classified as a Variant of Uncertain Significance.

NM_001353921.2(ARHGEF9):c.1022G>A (p.Arg341His)

Gene: ARHGEF9 (Cdc42 guanine nucleotide exchange factor 9; minus strand). Cytogenetic location: Xq11.1.
Variant type: single nucleotide variant.
Coding change: c.1022G>A on transcript NM_001353921.2 (MANE Select); coding-DNA position 1022, G replaced by A.
Protein change: p.Arg341His; replaces arginine 341 with histidine.
Molecular consequence: missense variant. On other transcripts: intron variant (5).
Genome position (GRCh38, 1-based): chrX:63,665,941, C>T on the plus strand (G>A on the coding strand, the complement: ARHGEF9 is on the minus strand). VCF-style: chrX-63665941-C-T. GRCh37 (hg19) VCF-style: chrX-62885821-C-T.
Other names: c.842G>A, p.Arg281His (NM_001173479.2); c.695G>A, p.Arg232His (NM_001173480.2, NM_001369042.1); c.938G>A, p.Arg313His (NM_001330495.2, NM_001369033.1, NM_001369034.1 and 6 more transcripts); c.1040G>A, p.Arg347His (NM_001353923.1); c.821G>A, p.Arg274His (NM_001353924.2, NM_001353926.2, NM_001369039.1 and 1 more transcripts); c.1001G>A, p.Arg334His (NM_001369030.1, NM_001369031.1, NM_001369032.1 and 1 more transcripts); c.945+8097G>A (NM_001353922.2); c.861+8097G>A (NM_001369041.1, NM_001353927.2); and 2 more; short protein forms R232H, R334H, R313H, R274H, R281H, R341H, R347H.
Identifiers: ClinVar variation 654993 (VCV000654993.9), dbSNP rs1556347347, ClinGen allele CA413405603.